The following is an entry in ClinVar:

ClinVar aggregate classification (germline): Likely pathogenic (1 of 4 stars; one submission).

Conditions:
Primary ciliary dyskinesia. Also called: Ciliary dyskinesia. Identifiers: Orphanet 244, MedGen C0008780, MONDO:0016575, HP:0012265.

Submission:

Department of Human Genetics, Hannover Medical School
Classification: Likely pathogenic for Primary Ciliary Dyskinesia. Last evaluated: 2026-04-01. Review status: criteria provided, single submitter. Criteria: ACMG Guidelines, 2015. Collection method: research. Allele origin: germline. Affected: no.
Comment: Classification performed by HerediClassify using the following criteria:['PM2_supporting: Variant occures does not occur as homozygous in gnomAD.', 'PVS1_protein_very_strong: Transcript ENST00000409508 is predicted to undergo NMD.']

NM_001277115.2(DNAH11):c.11766_11767dup (p.Ser3923fs)

Gene: DNAH11 (dynein axonemal heavy chain 11; plus strand). Cytogenetic location: 7p15.3.
Variant type: Duplication.
Coding change: c.11766_11767dup on transcript NM_001277115.2 (MANE Select); coding-DNA positions 11766 to 11767, 2 bases duplicated (AA; older notation c.11766_11767dupAA).
Protein change: p.Ser3923fs; shifts the reading frame from serine 3923.
Molecular consequence: frameshift variant.
Genome position (GRCh38, 1-based): chr7:21,867,934-21,867,935, AA duplicated; duplicating any 2 consecutive bases within chr7:21,867,933-21,867,935 gives the same sequence; the c. name uses the placement nearest the transcript's 3' end. VCF-style (leftmost placement, unchanged base first): chr7-21867932-G-GAA. GRCh37 (hg19) VCF-style: chr7-21907550-G-GAA.
Other names: short protein forms S3923fs.
Identifiers: ClinVar variation 4880048 (VCV004880048.1).